The following is an entry in ClinVar:

NM_000548.5(TSC2):c.236A>C (p.Glu79Ala)

Gene: TSC2 (TSC complex subunit 2; plus strand). Cytogenetic location: 16p13.3.
Variant type: single nucleotide variant.
Coding change: c.236A>C on transcript NM_000548.5 (MANE Select); coding-DNA position 236, A replaced by C.
Protein change: p.Glu79Ala; replaces glutamic acid 79 with alanine.
Molecular consequence: missense variant. On other transcripts: intron variant (2).
Genome position (GRCh38, 1-based): chr16:2,053,352, A>C. VCF-style: chr16-2053352-A-C. GRCh37 (hg19) VCF-style: chr16-2103353-A-C.
Other names: c.236A>C, p.Glu79Ala (NM_001077183.3, NM_001114382.3, NM_001363528.2 and 10 more transcripts); c.89A>C, p.Glu30Ala (NM_001318829.2, NM_001406675.1, NM_001406676.1 and 2 more transcripts); c.269A>C, p.Glu90Ala (NM_001318832.2); c.-581A>C (NM_001406680.1, NM_001406683.1, NM_001406687.1); c.-210A>C (NM_001406681.1); c.-1196A>C (NM_001406689.1, NM_001406690.1, NM_001406691.1 and 2 more transcripts); c.-1502A>C (NM_001406693.1); c.-1077A>C (NM_001406694.1, NM_001406695.1); and 4 more; short protein forms E30A, E79A, E90A.
Identifiers: ClinVar variation 1720812 (VCV001720812.5), dbSNP rs2085359439, ClinGen allele CA394305450.
Genomic context (GRCh38, chr16:2,053,352, plus strand): 5'-AGGGTTCTTGGAGAGCACATCCTCACCGCTGTCCCCTCTGCTGGTGACAGCACGCAGTGG[A>C]AGCACTCTGGAAGGCGGTCGCGGATCTGTTGCAGCCGGAGCGGCCGCTGGAGGCCCGGCA-3'
Protein context (NP_000539.2, residues 69-89): KTKKFEEHAV[Glu79Ala]ALWKAVADLL

ClinVar aggregate classification (germline): Uncertain significance (1 of 4 stars; one submission).

Conditions:
Tuberous sclerosis 2 (TSC2). Identifiers: Orphanet 805, MedGen C1860707, MONDO:0013199, OMIM 613254.

Submission:

Labcorp Genetics (formerly Invitae), Labcorp
Classification: Uncertain significance for Tuberous sclerosis 2. Last evaluated: 2022-10-02. Review status: criteria provided, single submitter. Criteria: Invitae Variant Classification Sherloc (09022015). Collection method: clinical testing. Allele origin: germline.
Comment: In summary, the available evidence is currently insufficient to determine the role of this variant in disease. Therefore, it has been classified as a Variant of Uncertain Significance. Advanced modeling of protein sequence and biophysical properties (such as structural, functional, and spatial information, amino acid conservation, physicochemical variation, residue mobility, and thermodynamic stability) performed at Invitae indicates that this missense variant is not expected to disrupt TSC2 protein function. This variant has not been reported in the literature in individuals affected with TSC2-related conditions. This variant is not present in population databases (gnomAD no frequency). This sequence change replaces glutamic acid, which is acidic and polar, with alanine, which is neutral and non-polar, at codon 79 of the TSC2 protein (p.Glu79Ala).